The following is an entry in ClinVar:

ClinVar aggregate classification (germline): Uncertain significance (1 of 4 stars; one submission).

Allele frequency attached by ClinVar (database versions not stated): ExAC 0.00001; gnomAD exomes 0.00001; gnomAD 0.00007; TOPMed 0.00008.

Submission:

Labcorp Genetics (formerly Invitae), Labcorp
Classification: Uncertain significance. Last evaluated: 2025-07-30. Review status: criteria provided, single submitter. Criteria: Invitae Variant Classification Sherloc (09022015). Collection method: clinical testing. Allele origin: germline.
Comment: This sequence change replaces methionine, which is neutral and non-polar, with threonine, which is neutral and polar, at codon 1393 of the HMCN1 protein (p.Met1393Thr). This variant is present in population databases (rs779269443, gnomAD 0.01%). This variant has not been reported in the literature in individuals affected with HMCN1-related conditions. ClinVar contains an entry for this variant (Variation ID: 1519847). An algorithm developed to predict the effect of missense changes on protein structure and function outputs the following: PolyPhen-2: "Benign". The threonine amino acid residue is found in multiple mammalian species, which suggests that this missense change does not adversely affect protein function. In summary, the available evidence is currently insufficient to determine the role of this variant in disease. Therefore, it has been classified as a Variant of Uncertain Significance.

NM_031935.3(HMCN1):c.4178T>C (p.Met1393Thr)

Gene: HMCN1 (hemicentin 1; plus strand). Cytogenetic location: 1q31.1.
Variant type: single nucleotide variant.
Coding change: c.4178T>C on transcript NM_031935.3 (MANE Select); coding-DNA position 4178, T replaced by C.
Protein change: p.Met1393Thr; replaces methionine 1393 with threonine.
Molecular consequence: missense variant.
Genome position (GRCh38, 1-based): chr1:186,001,406, T>C. VCF-style: chr1-186001406-T-C. GRCh37 (hg19) VCF-style: chr1-185970538-T-C.
Other names: short protein forms M1393T.
Identifiers: ClinVar variation 1519847 (VCV001519847.6), dbSNP rs779269443, ClinGen allele CA1291927.